The following is an entry in ClinVar:

ClinVar aggregate classification (germline): Uncertain significance (1 of 4 stars; one submission).

Submission:

Labcorp Genetics (formerly Invitae), Labcorp
Classification: Uncertain significance. Last evaluated: 2024-05-14. Review status: criteria provided, single submitter. Criteria: Invitae Variant Classification Sherloc (09022015). Collection method: clinical testing. Allele origin: germline.
Comment: This variant, c.974_976del, results in the deletion of 1 amino acid(s) of the ZNF513 protein (p.Glu325del), but otherwise preserves the integrity of the reading frame. This variant is not present in population databases (gnomAD no frequency). This variant has not been reported in the literature in individuals affected with ZNF513-related conditions. Experimental studies and prediction algorithms are not available or were not evaluated, and the functional significance of this variant is currently unknown. Algorithms developed to predict the effect of sequence changes on RNA splicing suggest that this variant may create or strengthen a splice site. In summary, the available evidence is currently insufficient to determine the role of this variant in disease. Therefore, it has been classified as a Variant of Uncertain Significance.

NM_144631.6(ZNF513):c.971AGG[1] (p.Glu325del)

Gene: ZNF513 (zinc finger protein 513; minus strand). Cytogenetic location: 2p23.3.
Variant type: Microsatellite.
Coding change: c.971AGG[1] on transcript NM_144631.6 (MANE Select); one copy of the 3-base unit AGG starting at c.971; the reference has two copies in a row; one copy, 3 bases deleted.
Protein change: p.Glu325del; deletes glutamic acid 325.
Genome position (GRCh38, 1-based): chr2:27,378,195-27,378,197, CCT deleted on the plus strand (AGG on the coding strand, the reverse complement: ZNF513 is on the minus strand); deleting any 3 consecutive bases within chr2:27,378,195-27,378,202 gives the same sequence; the position shown is the placement nearest the transcript's 3' end. VCF-style (leftmost placement, unchanged base first): chr2-27378194-CCCT-C. GRCh37 (hg19) VCF-style: chr2-27601061-CCCT-C.
Other names: c.785AGG[1], p.Glu263del (NM_001201459.2); short protein forms E263del, E325del.
Identifiers: ClinVar variation 3653397 (VCV003653397.2).